The following is an entry in ClinVar:

ClinVar aggregate classification (germline): Uncertain significance (1 of 4 stars; one submission).

Conditions:
Epilepsy, idiopathic generalized, susceptibility to, 13. Also called: EPILEPSY, JUVENILE MYOCLONIC, SUSCEPTIBILITY TO, 5. Identifiers: Orphanet 307, Orphanet 64280, MedGen C4013473, MONDO:0012627, OMIM 611136.
Epilepsy, childhood absence 4 (ECA4). Also called: EPILEPSY, CHILDHOOD ABSENCE, SUSCEPTIBILITY TO, 4. Identifiers: Orphanet 307, MedGen C1970160.
Idiopathic generalized epilepsy. Also called: Generalised epilepsy; EIG. Identifiers: MedGen C0270850, MONDO:0005579, OMIM 600669.

Submission:

Labcorp Genetics (formerly Invitae), Labcorp
Classification: Uncertain significance for Epilepsy, childhood absence 4; Epilepsy, idiopathic generalized, susceptibility to, 13; Idiopathic generalized epilepsy. Last evaluated: 2025-11-25. Review status: criteria provided, single submitter. Criteria: Invitae Variant Classification Sherloc (09022015). Collection method: clinical testing. Allele origin: germline.
Comment: This sequence change replaces aspartic acid, which is acidic and polar, with glutamic acid, which is acidic and polar, at codon 359 of the GABRA1 protein (p.Asp359Glu). This variant is not present in population databases (gnomAD no frequency). This variant has not been reported in the literature in individuals affected with GABRA1-related conditions. Invitae Evidence Modeling of protein sequence and biophysical properties (such as structural, functional, and spatial information, amino acid conservation, physicochemical variation, residue mobility, and thermodynamic stability) indicates that this missense variant is not expected to disrupt GABRA1 protein function with a negative predictive value of 80%. In summary, the available evidence is currently insufficient to determine the role of this variant in disease. Therefore, it has been classified as a Variant of Uncertain Significance.

NM_001127644.2(GABRA1):c.1077T>A (p.Asp359Glu)

Gene: GABRA1 (gamma-aminobutyric acid type A receptor subunit alpha1; plus strand). Cytogenetic location: 5q34.
Variant type: single nucleotide variant.
Coding change: c.1077T>A on transcript NM_001127644.2 (MANE Select); coding-DNA position 1077, T replaced by A.
Protein change: p.Asp359Glu; replaces aspartic acid 359 with glutamic acid.
Molecular consequence: missense variant.
Genome position (GRCh38, 1-based): chr5:161,897,128, T>A. VCF-style: chr5-161897128-T-A. GRCh37 (hg19) VCF-style: chr5-161324134-T-A.
Other names: c.1077T>A, p.Asp359Glu (NM_000806.5, NM_001127643.2, NM_001127645.2 and 1 more transcripts); short protein forms D359E.
Identifiers: ClinVar variation 4789491 (VCV004789491.1).